The following is an entry in ClinVar:

ClinVar aggregate classification (germline): Uncertain significance (1 of 4 stars; one submission).

Conditions:
Cardiovascular phenotype. Identifiers: MedGen CN230736.

Allele frequency attached by ClinVar (database versions not stated): TOPMed below 0.00001.
gnomAD v4.1: 2 of 1,613,574 alleles (0.00012%); no homozygotes.

Submission:

Ambry Genetics
Classification: Uncertain significance for Cardiovascular phenotype. Last evaluated: 2020-09-30. Review status: criteria provided, single submitter. Criteria: Ambry Variant Classification Scheme 2023. Collection method: clinical testing. Allele origin: germline.
Comment: The c.1399-5A>G intronic variant results from an A to G substitution 5 nucleotides upstream from coding exon 8 in the TTN gene. This nucleotide position is well conserved in available vertebrate species. In silico splice site analysis predicts that this alteration will result in the creation or strengthening of a novel splice acceptor site. Since supporting evidence is limited at this time, the clinical significance of this alteration remains unclear.

NM_001267550.2(TTN):c.1399-5A>G

Gene: TTN (titin; minus strand). Cytogenetic location: 2q31.2.
Variant type: single nucleotide variant.
Coding change: c.1399-5A>G on transcript NM_001267550.2 (MANE Select); 5 bases into the intron before coding-DNA position 1399, A replaced by G.
Molecular consequence: intron variant.
Genome position (GRCh38, 1-based): chr2:178,793,546, T>C on the plus strand (A>G on the coding strand, the complement: TTN is on the minus strand). VCF-style: chr2-178793546-T-C. GRCh37 (hg19) VCF-style: chr2-179658273-T-C.
Other names: c.1399-5A>G (NM_003319.4, NM_133437.4, NM_133432.3 and 3 more transcripts).
Identifiers: ClinVar variation 1771691 (VCV001771691.2), dbSNP rs1321315457, ClinGen allele CA761316248.